The following is an entry in ClinVar:

ClinVar aggregate classification (germline): Uncertain significance (1 of 4 stars; one submission).

Submission:

Women's Health and Genetics/Laboratory Corporation of America, LabCorp
Classification: Uncertain significance. Last evaluated: 2025-07-10. Review status: criteria provided, single submitter. Criteria: LabCorp Variant Classification Summary - May 2015. Collection method: clinical testing. Allele origin: germline.
Comment: Variant summary: NBEA c.3478C>G (p.Pro1160Ala) results in a non-conservative amino acid change in the encoded protein sequence. Algorithms developed to predict the effect of missense changes on protein structure and function are either unavailable or do not agree on the potential impact of this missense change. The variant was absent in 243072 control chromosomes. The available data on variant occurrences in the general population are insufficient to allow any conclusion about variant significance. To our knowledge, no occurrence of c.3478C>G in individuals affected with Neurodevelopmental Disorder With Or Without Early-Onset Generalized Epilepsy and no experimental evidence demonstrating its impact on protein function have been reported. No submitters have cited clinical-significance assessments for this variant to ClinVar. Based on the evidence outlined above, the variant was classified as uncertain significance.

NM_001385012.1(NBEA):c.3478C>G (p.Pro1160Ala)

Gene: NBEA (neurobeachin; plus strand). Cytogenetic location: 13q13.3.
Variant type: single nucleotide variant.
Coding change: c.3478C>G on transcript NM_001385012.1 (MANE Select); coding-DNA position 3478, C replaced by G.
Protein change: p.Pro1160Ala; replaces proline 1160 with alanine.
Molecular consequence: missense variant.
Genome position (GRCh38, 1-based): chr13:35,159,649, C>G. VCF-style: chr13-35159649-C-G. GRCh37 (hg19) VCF-style: chr13-35733786-C-G.
Other names: c.3478C>G, p.Pro1160Ala (NM_001379245.1, NM_015678.5); short protein forms P1160A.
Identifiers: ClinVar variation 4525997 (VCV004525997.1).